The following is an entry in ClinVar:

ClinVar aggregate classification (germline): Uncertain significance (1 of 4 stars; one submission).

Conditions:
CDK13-related disorder. Also called: CDK13-related condition. Identifiers: MedGen C5816700.

Submission:

PreventionGenetics, part of Exact Sciences
Classification: Uncertain significance for CDK13-related condition. Last evaluated: 2025-02-03. Review status: criteria provided, single submitter. Criteria: ACMG Guidelines, 2015. Collection method: clinical testing. Allele origin: germline.
Comment: The CDK13 c.1381G>A variant is predicted to result in the amino acid substitution p.Ala461Thr. To our knowledge, this variant has not been reported in the literature or in a large population database (gnomAD), indicating this variant is rare. At this time, the clinical significance of this variant is uncertain due to the absence of conclusive functional and genetic evidence.

NM_003718.5(CDK13):c.1381G>A (p.Ala461Thr)

Gene: CDK13 (cyclin dependent kinase 13; plus strand). Cytogenetic location: 7p14.1.
Variant type: single nucleotide variant.
Coding change: c.1381G>A on transcript NM_003718.5 (MANE Select); coding-DNA position 1381, G replaced by A.
Protein change: p.Ala461Thr; replaces alanine 461 with threonine.
Molecular consequence: missense variant.
Genome position (GRCh38, 1-based): chr7:39,987,768, G>A. VCF-style: chr7-39987768-G-A. GRCh37 (hg19) VCF-style: chr7-40027367-G-A.
Other names: c.1381G>A, p.Ala461Thr (NM_031267.4); short protein forms A461T.
Identifiers: ClinVar variation 4998659 (VCV004998659.1).